The following is an entry in ClinVar:

NM_005901.6(SMAD2):c.337G>A (p.Gly113Ser)

Gene: SMAD2 (SMAD family member 2; minus strand). Cytogenetic location: 18q21.1.
Variant type: single nucleotide variant.
Coding change: c.337G>A on transcript NM_005901.6 (MANE Select); coding-DNA position 337, G replaced by A.
Protein change: p.Gly113Ser; replaces glycine 113 with serine.
Molecular consequence: missense variant.
Genome position (GRCh38, 1-based): chr18:47,869,426, C>T on the plus strand (G>A on the coding strand, the complement: SMAD2 is on the minus strand). VCF-style: chr18-47869426-C-T. GRCh37 (hg19) VCF-style: chr18-45395797-C-T.
Other names: c.337G>A, p.Gly113Ser (NM_001003652.4); c.247G>A, p.Gly83Ser (NM_001135937.3); short protein forms G83S, G113S.
Identifiers: ClinVar variation 2745481 (VCV002745481.3), dbSNP rs2144379733, ClinGen allele CA402502229.

ClinVar aggregate classification (germline): Uncertain significance (1 of 4 stars; one submission).

Submission:

Labcorp Genetics (formerly Invitae), Labcorp
Classification: Uncertain significance. Last evaluated: 2023-07-20. Review status: criteria provided, single submitter. Criteria: Invitae Variant Classification Sherloc (09022015). Collection method: clinical testing. Allele origin: germline.
Comment: This variant has not been reported in the literature in individuals affected with SMAD2-related conditions. Advanced modeling of protein sequence and biophysical properties (such as structural, functional, and spatial information, amino acid conservation, physicochemical variation, residue mobility, and thermodynamic stability) performed at Invitae indicates that this missense variant is not expected to disrupt SMAD2 protein function. Algorithms developed to predict the effect of sequence changes on RNA splicing suggest that this variant may disrupt the consensus splice site. In summary, the available evidence is currently insufficient to determine the role of this variant in disease. Therefore, it has been classified as a Variant of Uncertain Significance. This variant is not present in population databases (gnomAD no frequency). This sequence change replaces glycine, which is neutral and non-polar, with serine, which is neutral and polar, at codon 113 of the SMAD2 protein (p.Gly113Ser).